The following is an entry in ClinVar:

NM_024408.4(NOTCH2):c.5781+10A>C

Gene: NOTCH2 (notch receptor 2; minus strand). Cytogenetic location: 1p12.
Variant type: single nucleotide variant.
Coding change: c.5781+10A>C on transcript NM_024408.4 (MANE Select); 10 bases into the intron after coding-DNA position 5781, A replaced by C.
Molecular consequence: intron variant.
Genome position (GRCh38, 1-based): chr1:119,919,302, T>G on the plus strand (A>C on the coding strand, the complement: NOTCH2 is on the minus strand). VCF-style: chr1-119919302-T-G. GRCh37 (hg19) VCF-style: chr1-120461925-T-G.
Other names: c.5781+10A>C (NM_024408.3).
Identifiers: ClinVar variation 289122 (VCV000289122.11), dbSNP rs369586235, ClinGen allele CA1039574.

ClinVar aggregate classification (germline): Conflicting classifications of pathogenicity. Review status: criteria provided, conflicting classifications (1 of 4 stars). 4 submissions from 4 submitters: Uncertain significance (1); Likely benign (2). 1 of the submissions does not count toward it. Last evaluated 2025-11-13.

Conditions:
Hajdu-Cheney syndrome (HJCYS). Also called: SERPENTINE FIBULA-POLYCYSTIC KIDNEY SYNDROME; ACROOSTEOLYSIS WITH OSTEOPOROSIS AND CHANGES IN SKULL AND MANDIBLE; Acroosteolysis dominant type. Identifiers: Orphanet 955, MedGen C0917715, MONDO:0007057, OMIM 102500.
NOTCH2-related disorder. Also called: NOTCH2-related condition.

Allele frequency attached by ClinVar (database versions not stated): TOPMed 0.00001.
gnomAD v4.1: 30 of 1,607,956 alleles (0.0019%); highest among the groups gnomAD compares: Middle Eastern, 0.063%; no homozygotes.

Submissions (4):

Labcorp Genetics (formerly Invitae), Labcorp
Classification: Likely benign for Hajdu-Cheney syndrome. Last evaluated: 2025-11-13. Review status: criteria provided, single submitter. Criteria: Invitae Variant Classification Sherloc (09022015). Collection method: clinical testing. Allele origin: germline.

Blueprint Genetics
Classification: Likely benign. Last evaluated: 2024-09-23. Review status: criteria provided, single submitter. Criteria: ACMG Guidelines, 2015. Collection method: clinical testing. Allele origin: germline.

Eurofins Ntd Llc (ga)
Classification: Uncertain significance. Last evaluated: 2017-04-18. Review status: criteria provided, single submitter. Criteria: EGL Classification Definitions 2015. Collection method: clinical testing. Allele origin: germline. Observed: 2 variant alleles, 2 heterozygotes.

PreventionGenetics, part of Exact Sciences
Classification: Likely benign for NOTCH2-related condition. Last evaluated: 2021-12-28. Review status: no assertion criteria provided. Collection method: clinical testing. Allele origin: germline. Not counted in ClinVar's aggregate classification.
Comment: This variant is classified as likely benign based on ACMG/AMP sequence variant interpretation guidelines (Richards et al. 2015 PMID: 25741868, with internal and published modifications).